The following is an entry in ClinVar:

NM_000080.4(CHRNE):c.1033-2A>T

Genes: CHRNE (cholinergic receptor nicotinic epsilon subunit; minus strand), LOC130060041 (ATAC-STARR-seq lymphoblastoid silent region 8050; plus strand). Cytogenetic location: 17p13.2.
Variant type: single nucleotide variant.
Coding change: c.1033-2A>T on transcript NM_000080.4 (MANE Select); the canonical splice acceptor site of the intron before coding-DNA position 1033, A replaced by T.
Molecular consequence: splice acceptor variant.
Genome position (GRCh38, 1-based): chr17:4,899,386, T>A on the plus strand (A>T on the coding strand, the complement: CHRNE is on the minus strand). VCF-style: chr17-4899386-T-A. GRCh37 (hg19) VCF-style: chr17-4802681-T-A.
Identifiers: ClinVar variation 189225 (VCV000189225.12), dbSNP rs786204773, ClinGen allele CA274489.
Genomic context (GRCh38, chr17:4,899,386, plus strand): 5'-CGGGGGGCCTCGGGCGGCGGCGGGGAGCCCAGGAGGCGCGGCAGCAGCTCCAGGAGAACC[T>A]GGGGCAGGGGCGGGGCTTAGGGGACGAGGTTAGTACGAAGCCCCACCCCGACCCGGGCTG-3'

ClinVar aggregate classification (germline): Pathogenic/Likely pathogenic. Review status: criteria provided, multiple submitters, no conflicts (2 of 4 stars). 5 submissions from 5 submitters: Pathogenic (2); Likely pathogenic (3). Last evaluated 2026-06-18.

Conditions:
Congenital myasthenic syndrome (CMS). Also called: Congenital Myasthenic Syndromes. Identifiers: Orphanet 590, MedGen C0751882, MeSH D020294, MONDO:0018940.
Congenital myasthenic syndrome 4A. Also called: Myasthenic syndrome, congenital, 4a, slow-channel; CONGENITAL MYASTHENIC SYNDROME TYPE Ia1; MYASTHENIC SYNDROME, CONGENITAL, 4A, SLOW-CHANNEL, AUTOSOMAL RECESSIVE. Identifiers: Orphanet 590, MedGen C4225413, MONDO:0011600, OMIM 605809.
Congenital myasthenic syndrome 4C (CMS4C). Also called: Myasthenic syndrome, congenital, associated with acetylcholine receptor deficiency. Identifiers: Orphanet 590, MedGen C1837091, MONDO:0012157, OMIM 608931.

Allele frequency attached by ClinVar (database versions not stated): gnomAD exomes below 0.00001; gnomAD 0.00001.
gnomAD v4.1: 5 of 1,533,780 alleles (0.00033%); highest among the groups gnomAD compares: Non-Finnish European, 0.00035%; no homozygotes.

Submissions (5):

Myriad Genetics, Inc.
Classification: Likely pathogenic for Congenital myasthenic syndrome. Last evaluated: 2026-06-18. Review status: criteria provided, single submitter. Criteria: Myriad Autosomal Dominant, Autosomal Recessive and X-Linked Classification Criteria (2023). Collection method: clinical testing. Allele origin: unknown.
Comment: NM_000080.3(CHRNE):c.1033-2A>T is a variant in a canonical splice site classified as likely pathogenic in the context of congenital myasthenic syndrome, CHRNE-related. c.1033-2A>T has not been observed in cases with relevant disease. Relevant functional assessments of this variant are not available in the literature. c.1033-2A>T has not been observed in referenced population frequency databases. In summary, NM_000080.3(CHRNE):c.1033-2A>T is a variant in a canonical splice site in a gene where loss of function is a known mechanism of disease and is predicted to disrupt protein function. Please note: this variant was assessed in the context of healthy population screening.

Natera, Inc.
Classification: Pathogenic for Congenital myasthenic syndrome. Last evaluated: 2024-10-03. Review status: criteria provided, single submitter. Criteria: Natera Variant Classification Schema (03/2026). Collection method: clinical testing. Allele origin: germline.
Comment: The c.1033-2A>T variant in CHRNE is a canonical splice acceptor site variant predicted to affect pre-mRNA splicing, which may result in an abnormal transcript and altered protein product. This variant is expected to result in nonsense mediated decay, truncation, or a dysfunctional protein product. This variant is rare in the general population with a frequency below the threshold expected for the associated phenotype(s). Another variant at this same site results in an alteration predicted to cause a similar molecular effect has been observed in individual(s) with the associated phenotype. Given the available evidence, this variant is classified as Pathogenic.

Baylor Genetics
Classification: Likely pathogenic for Congenital myasthenic syndrome 4A. Last evaluated: 2023-08-05. Review status: criteria provided, single submitter. Criteria: ACMG Guidelines, 2015. Collection method: clinical testing. Allele origin: unknown.

Labcorp Genetics (formerly Invitae), Labcorp
Classification: Likely pathogenic for Congenital myasthenic syndrome 4A. Last evaluated: 2023-06-06. Review status: criteria provided, single submitter. Criteria: Invitae Variant Classification Sherloc (09022015). Collection method: clinical testing. Allele origin: germline.
Comment: This variant is not present in population databases (gnomAD no frequency). This sequence change affects an acceptor splice site in intron 9 of the CHRNE gene. It is expected to disrupt RNA splicing. Variants that disrupt the donor or acceptor splice site typically lead to a loss of protein function (PMID: 16199547), and loss-of-function variants in CHRNE are known to be pathogenic (PMID: 22678886). Disruption of this splice site has been observed in individual(s) with congenital myasthenic syndrome (PMID: 14532324). In at least one individual the data is consistent with being in trans (on the opposite chromosome) from a pathogenic variant. In summary, the currently available evidence indicates that the variant is pathogenic, but additional data are needed to prove that conclusively. Therefore, this variant has been classified as Likely Pathogenic. Studies have shown that disruption of this splice site is associated with altered splicing resulting in multiple RNA products (PMID: 14532324). ClinVar contains an entry for this variant (Variation ID: 189225).

Laboratory for Molecular Medicine, Mass General Brigham Personalized Medicine
Classification: Pathogenic for Myasthenic syndrome, congenital, associated with acetylcholine receptor deficiency. Last evaluated: 2014-07-16. Review status: criteria provided, single submitter. Criteria: LMM Criteria. Collection method: clinical testing. Allele origin: germline. Inheritance: Autosomal recessive inheritance. Observed: 1 variant allele. Study: CSER-MedSeq.
Comment: The 1033-2A>T variant in CHRNE has not been previously identified in individuals with congenital myasthenic syndrome. Data from large population studies is insufficient to assess the frequency of this variant. This variant occurs in the invariant region (+/- 1,2) of the splice consensus sequence and is predicted to cause altered splicing leading to an abnormal or absent protein. Additionally, other variants at this splice junction (1033-1G>A and 1033-1G>C) have been reported in individuals with congenital myasthenic syndrome (Ohno 2005). In summary, this variant meets our criteria to be classified as pathogenic.

Literature cited by the submitters: PubMed 16199547 (cited by Labcorp Genetics (formerly Invitae), Labcorp); PubMed 22678886 (cited by Labcorp Genetics (formerly Invitae), Labcorp); PubMed 14532324 (cited by Labcorp Genetics (formerly Invitae), Labcorp); PubMed 16550914 (cited by Laboratory for Molecular Medicine, Mass General Brigham Personalized Medicine).